The following is an entry in ClinVar:

ClinVar aggregate classification (germline): Uncertain significance (1 of 4 stars; one submission).

Allele frequency attached by ClinVar (database versions not stated): TOPMed below 0.00001; gnomAD 0.00001; 1000 Genomes Project 30x 0.00016.
gnomAD v4.1: 4 of 1,614,268 alleles (0.00025%); highest among the groups gnomAD compares: Admixed American, 0.0017%; no homozygotes.

Submission:

Labcorp Genetics (formerly Invitae), Labcorp
Classification: Uncertain significance. Last evaluated: 2022-06-04. Review status: criteria provided, single submitter. Criteria: Invitae Variant Classification Sherloc (09022015). Collection method: clinical testing. Allele origin: germline.
Comment: This variant is present in population databases (no rsID available, gnomAD 0.003%). This variant has not been reported in the literature in individuals affected with PCARE-related conditions. Algorithms developed to predict the effect of missense changes on protein structure and function output the following: SIFT: "Deleterious"; PolyPhen-2: "Benign"; Align-GVGD: "Class C0". The glutamine amino acid residue is found in multiple mammalian species, which suggests that this missense change does not adversely affect protein function. In summary, the available evidence is currently insufficient to determine the role of this variant in disease. Therefore, it has been classified as a Variant of Uncertain Significance. This sequence change replaces lysine, which is basic and polar, with glutamine, which is neutral and polar, at codon 117 of the PCARE protein (p.Lys117Gln).

NM_001029883.3(PCARE):c.349A>C (p.Lys117Gln)

Gene: PCARE (photoreceptor cilium actin regulator; minus strand). Cytogenetic location: 2p23.2.
Variant type: single nucleotide variant.
Coding change: c.349A>C on transcript NM_001029883.3 (MANE Select); coding-DNA position 349, A replaced by C.
Protein change: p.Lys117Gln; replaces lysine 117 with glutamine.
Molecular consequence: missense variant.
Genome position (GRCh38, 1-based): chr2:29,073,913, T>G on the plus strand (A>C on the coding strand, the complement: PCARE is on the minus strand). VCF-style: chr2-29073913-T-G. GRCh37 (hg19) VCF-style: chr2-29296779-T-G.
Other names: short protein forms K117Q.
Identifiers: ClinVar variation 2075795 (VCV002075795.4), dbSNP rs777334143, ClinGen allele CA346482498.